The following is an entry in ClinVar:

ClinVar aggregate classification (germline): Likely benign (1 of 4 stars; one submission).

Conditions:
CCNL2-related disorder. Also called: CCNL2-related condition.

gnomAD v4.1: 5 of 1,612,860 alleles (0.00031%); highest among the groups gnomAD compares: East Asian, 0.0045%; no homozygotes.

Submission:

PreventionGenetics, part of Exact Sciences
Classification: Likely benign for CCNL2-related condition. Last evaluated: 2026-09-03. Review status: criteria provided, single submitter. Criteria: ACMG Guidelines, 2015. Collection method: clinical testing. Allele origin: germline.
Comment: This variant is classified as likely benign based on ACMG/AMP sequence variant interpretation guidelines (Richards et al. 2015 PMID: 25741868, with internal and published modifications).

NM_030937.6(CCNL2):c.864+6T>G

Gene: CCNL2 (cyclin L2; minus strand). Cytogenetic location: 1p36.33.
Variant type: single nucleotide variant.
Coding change: c.864+6T>G on transcript NM_030937.6 (MANE Select); 6 bases into the intron after coding-DNA position 864, T replaced by G.
Molecular consequence: intron variant.
Genome position (GRCh38, 1-based): chr1:1,390,453, A>C on the plus strand (T>G on the coding strand, the complement: CCNL2 is on the minus strand). VCF-style: chr1-1390453-A-C. GRCh37 (hg19) VCF-style: chr1-1325833-A-C.
Other names: c.198+6T>G (NM_001320155.3, NM_001320153.3, NM_001350498.2 and 1 more transcripts); c.471+6T>G (NM_001350500.2, NM_001350499.2).
Identifiers: ClinVar variation 4985587 (VCV004985587.1).